The following is an entry in ClinVar:

ClinVar aggregate classification (germline): Likely benign (1 of 4 stars; one submission).

Conditions:
HK1-related disorder. Also called: HK1-related disorders; HK1-related condition.

Submission:

PreventionGenetics, part of Exact Sciences
Classification: Likely benign for HK1-related condition. Last evaluated: 2026-09-03. Review status: criteria provided, single submitter. Criteria: ACMG Guidelines, 2015. Collection method: clinical testing. Allele origin: germline.
Comment: This variant is classified as likely benign based on ACMG/AMP sequence variant interpretation guidelines (Richards et al. 2015 PMID: 25741868, with internal and published modifications).

NM_000188.3(HK1):c.1044C>G (p.Gly348=)

Gene: HK1 (hexokinase 1; plus strand). Cytogenetic location: 10q22.1.
Variant type: single nucleotide variant.
Coding change: c.1044C>G on transcript NM_000188.3 (MANE Select); coding-DNA position 1044, C replaced by G.
Protein change: p.Gly348=; no amino-acid change (glycine 348 retained).
Molecular consequence: synonymous variant. On other transcripts: non-coding transcript variant (2), intron variant (1).
Genome position (GRCh38, 1-based): chr10:69,379,874, C>G. VCF-style: chr10-69379874-C-G. GRCh37 (hg19) VCF-style: chr10-71139630-C-G.
Other names: c.1056C>G, p.Gly352= (NM_001322364.2, NM_001358263.1, NM_033497.3 and 1 more transcripts); c.1149C>G, p.Gly383= (NM_001322365.2); c.960C>G, p.Gly320= (NM_001322366.1, NM_001441143.1); c.948C>G, p.Gly316= (NM_001322367.1); c.1044C>G, p.Gly348= (NM_001441139.1, NM_001441141.1, NM_001441145.1 and 2 more transcripts); c.1035C>G, p.Gly345= (NM_001441140.1); c.1002C>G, p.Gly334= (NM_001441142.1); c.924C>G, p.Gly308= (NM_001441144.1); and 8 more.
Identifiers: ClinVar variation 4984097 (VCV004984097.1).